The following is an entry in ClinVar:

NM_004408.4(DNM1):c.876A>G (p.Thr292=)

Gene: DNM1 (dynamin 1; plus strand). Cytogenetic location: 9q34.11.
Variant type: single nucleotide variant.
Coding change: c.876A>G on transcript NM_004408.4 (MANE Select); coding-DNA position 876, A replaced by G.
Protein change: p.Thr292=; no amino-acid change (threonine 292 retained).
Molecular consequence: synonymous variant.
Genome position (GRCh38, 1-based): chr9:128,222,223, A>G. VCF-style: chr9-128222223-A-G. GRCh37 (hg19) VCF-style: chr9-130984502-A-G.
Other names: c.876A>G, p.Thr292= (NM_001005336.3, NM_001288737.2, NM_001288738.2 and 2 more transcripts).
Identifiers: ClinVar variation 1566005 (VCV001566005.32), dbSNP rs1194475149, ClinGen allele CA467481510.
Genomic context (GRCh38, chr9:128,222,223, plus strand): 5'-CTGTCCTCAACCCTTTCCTCACCCTTACCCCCAGCAACTGACGAACCACATCCGGGACAC[A>G]CTGCCGGGGCTGCGGAACAAGCTGCAGAGCCAGCTACTGTCCATTGAGAAGGAGGTGGAG-3'
Protein context (NP_004399.2, residues 282-302): NQQLTNHIRD[Thr292=]LPGLRNKLQS

ClinVar aggregate classification (germline): Likely benign. Review status: criteria provided, multiple submitters, no conflicts (2 of 4 stars). 2 submissions from 2 submitters: Likely benign (2). Last evaluated 2024-03-27.

Conditions:
Developmental and epileptic encephalopathy, 31A. Also called: Epileptic encephalopathy, early infantile, 31; Developmental and epileptic encephalopathy, 31. Identifiers: Orphanet 2382, MedGen C4225357, MONDO:0014598, OMIM 616346.

Allele frequency attached by ClinVar (database versions not stated): gnomAD exomes below 0.00001.
gnomAD v4.1: 2 of 1,614,046 alleles (0.00012%); highest among the groups gnomAD compares: Admixed American, 0.0033%; no homozygotes.

Submissions (2):

Labcorp Genetics (formerly Invitae), Labcorp
Classification: Likely benign for Developmental and epileptic encephalopathy, 31A. Last evaluated: 2024-03-27. Review status: criteria provided, single submitter. Criteria: Invitae Variant Classification Sherloc (09022015). Collection method: clinical testing. Allele origin: germline.

CeGaT Center for Human Genetics Tuebingen
Classification: Likely benign. Last evaluated: 2022-08-01. Review status: criteria provided, single submitter. Criteria: CeGaT Center For Human Genetics Tuebingen Variant Classification Criteria Version 2. Collection method: clinical testing. Allele origin: germline. Affected: yes. Observed: 1 variant allele.
Comment: DNM1: BP4, BP7